The following is an entry in ClinVar:

NM_003072.5(SMARCA4):c.222+9C>T

Gene: SMARCA4 (SWI/SNF related BAF chromatin remodeling complex subunit ATPase 4; plus strand). Cytogenetic location: 19p13.2.
Variant type: single nucleotide variant.
Coding change: c.222+9C>T on transcript NM_003072.5 (MANE Select); 9 bases into the intron after coding-DNA position 222, C replaced by T.
Molecular consequence: intron variant.
Genome position (GRCh38, 1-based): chr19:10,984,382, C>T. VCF-style: chr19-10984382-C-T. GRCh37 (hg19) VCF-style: chr19-11095058-C-T.
Other names: c.222+9C>T (NM_001128844.3, NM_001128849.3, NM_001128847.4 and 4 more transcripts).
Identifiers: ClinVar variation 751631 (VCV000751631.9), dbSNP rs1477506632, ClinGen allele CA631767250.

ClinVar aggregate classification (germline): Likely benign. Review status: criteria provided, multiple submitters, no conflicts (2 of 4 stars). 2 submissions from 2 submitters: Likely benign (2). Last evaluated 2026-07-06.

Conditions:
Rhabdoid tumor predisposition syndrome 2 (RTPS2). Identifiers: Orphanet 231108, Orphanet 69077, MedGen C2750074, MONDO:0013224, OMIM 613325.

Allele frequency attached by ClinVar (database versions not stated): gnomAD exomes 0.00001.
gnomAD v4.1: 4 of 1,571,466 alleles (0.00025%); highest among the groups gnomAD compares: Non-Finnish European, 0.00035%; no homozygotes.

Submissions (2):

Myriad Genetics, Inc.
Classification: Likely benign for Rhabdoid tumor predisposition syndrome 2. Last evaluated: 2026-07-06. Review status: criteria provided, single submitter. Criteria: Myriad Autosomal Dominant, Autosomal Recessive and X-Linked Classification Criteria (2023). Collection method: clinical testing. Allele origin: unknown.
Comment: This variant is considered likely benign. This variant is intronic and is not expected to impact mRNA splicing.

Labcorp Genetics (formerly Invitae), Labcorp
Classification: Likely benign for Rhabdoid tumor predisposition syndrome 2. Last evaluated: 2024-09-24. Review status: criteria provided, single submitter. Criteria: Invitae Variant Classification Sherloc (09022015). Collection method: clinical testing. Allele origin: germline.